The following is an entry in ClinVar:

ClinVar aggregate classification (germline): Benign/Likely benign. Review status: criteria provided, multiple submitters, no conflicts (2 of 4 stars). 7 submissions from 7 submitters: Benign (4); Likely benign (2). 1 of the submissions does not count toward it. Last evaluated 2026-03-01.

Conditions:
Knobloch syndrome (KNO). Also called: Myopia retinal detachment encephalocele; RETINAL DETACHMENT AND OCCIPITAL ENCEPHALOCELE. Identifiers: Orphanet 1571, MedGen C1849409, MONDO:0800166.
COL18A1-related disorder. Also called: COL18A1-related condition; COL18A1-related disorders.

Allele frequency attached by ClinVar (database versions not stated): ExAC 0.00143; 1000 Genomes Project 30x 0.00297; 1000 Genomes Project 0.00339; gnomAD 0.00430 and 0.00478; ESP Exome Variant Server 0.00442; TOPMed 0.00445.

Submissions (7):

CeGaT Center for Human Genetics Tuebingen
Classification: Likely benign. Last evaluated: 2026-03-01. Review status: criteria provided, single submitter. Criteria: CeGaT Center For Human Genetics Tuebingen Variant Classification Criteria Version 2. Collection method: clinical testing. Allele origin: germline. Affected: yes. Observed: 1 variant allele.
Comment: COL18A1: BS1

Labcorp Genetics (formerly Invitae), Labcorp
Classification: Benign. Last evaluated: 2026-01-28. Review status: criteria provided, single submitter. Criteria: Invitae Variant Classification Sherloc (09022015). Collection method: clinical testing. Allele origin: germline.

Blueprint Genetics
Classification: Likely benign. Last evaluated: 2024-10-22. Review status: criteria provided, single submitter. Criteria: ACMG Guidelines, 2015. Collection method: clinical testing. Allele origin: germline.

Genetic Services Laboratory, University of Chicago
Classification: Benign. Last evaluated: 2019-07-08. Review status: criteria provided, single submitter. Criteria: ACMG Guidelines, 2015. Collection method: clinical testing. Allele origin: germline. Affected: no.

Illumina Laboratory Services, Illumina
Classification: Benign for Knobloch syndrome 1. Last evaluated: 2018-01-12. Review status: criteria provided, single submitter. Criteria: ICSL Variant Classification Criteria 13 December 2019. Collection method: clinical testing. Allele origin: germline.
Comment: This variant was observed in the ICSL laboratory as part of a predisposition screen in an ostensibly healthy population. It had not been previously curated by ICSL or reported in the Human Gene Mutation Database (HGMD: prior to June 1st, 2018), and was therefore a candidate for classification through an automated scoring system. Utilizing variant allele frequency, disease prevalence and penetrance estimates, and inheritance mode, an automated score was calculated to assess if this variant is too frequent to cause the disease. Based on the score and internal cut-off values, a variant classified as benign is not then subjected to further curation. The score for this variant resulted in a classification of benign for this disease.

Breakthrough Genomics
Classification: Benign. Review status: criteria provided, single submitter. Criteria: ACMG Guidelines, 2015. Collection method: not provided. Allele origin: germline. Inheritance: Autosomal recessive inheritance. Affected: yes.

PreventionGenetics, part of Exact Sciences
Classification: Benign for COL18A1-related condition. Last evaluated: 2019-08-29. Review status: no assertion criteria provided. Collection method: clinical testing. Allele origin: germline. Not counted in ClinVar's aggregate classification.
Comment: This variant is classified as benign based on ACMG/AMP sequence variant interpretation guidelines (Richards et al. 2015 PMID: 25741868, with internal and published modifications).

NM_001379500.1(COL18A1):c.1390G>A (p.Asp464Asn)

Gene: COL18A1 (collagen type XVIII alpha 1 chain; plus strand). Cytogenetic location: 21q22.3.
Variant type: single nucleotide variant.
Coding change: c.1390G>A on transcript NM_001379500.1 (MANE Select); coding-DNA position 1390, G replaced by A.
Protein change: p.Asp464Asn; replaces aspartic acid 464 with asparagine.
Molecular consequence: missense variant.
Genome position (GRCh38, 1-based): chr21:45,480,148, G>A. VCF-style: chr21-45480148-G-A. GRCh37 (hg19) VCF-style: chr21-46900062-G-A.
Other names: NM_130445.2:c.1390G>A; c.1930G>A, p.Asp644Asn (NM_030582.4); c.2635G>A, p.Asp879Asn (NM_130444.3); short protein forms D644N, D879N.
Identifiers: ClinVar variation 340219 (VCV000340219.24), dbSNP rs61738822, ClinGen allele CA10066272.